The following is an entry in ClinVar:

NM_032620.4(GTPBP3):c.1384C>T (p.Arg462Trp)

Gene: GTPBP3 (GTP binding protein 3, mitochondrial; plus strand). Cytogenetic location: 19p13.11.
Variant type: single nucleotide variant.
Coding change: c.1384C>T on transcript NM_032620.4 (MANE Select); coding-DNA position 1384, C replaced by T.
Protein change: p.Arg462Trp; replaces arginine 462 with tryptophan.
Molecular consequence: missense variant.
Genome position (GRCh38, 1-based): chr19:17,341,608, C>T. VCF-style: chr19-17341608-C-T. GRCh37 (hg19) VCF-style: chr19-17452417-C-T.
Other names: c.1321C>T, p.Arg441Trp (NM_001128855.3); c.1450C>T, p.Arg484Trp (NM_001195422.1); c.1480C>T, p.Arg494Trp (NM_133644.4); short protein forms R462W, R441W, R484W, R494W.
Identifiers: ClinVar variation 1917883 (VCV001917883.3), dbSNP rs2074433314, ClinGen allele CA404739652.

ClinVar aggregate classification (germline): Uncertain significance (1 of 4 stars; one submission).

gnomAD v4.1: 3 of 1,613,830 alleles (0.00019%); highest among the groups gnomAD compares: Middle Eastern, 0.017%; no homozygotes.

Submission:

Labcorp Genetics (formerly Invitae), Labcorp
Classification: Uncertain significance. Last evaluated: 2022-02-11. Review status: criteria provided, single submitter. Criteria: Invitae Variant Classification Sherloc (09022015). Collection method: clinical testing. Allele origin: germline.
Comment: In summary, the available evidence is currently insufficient to determine the role of this variant in disease. Therefore, it has been classified as a Variant of Uncertain Significance. Algorithms developed to predict the effect of sequence changes on RNA splicing suggest that this variant may create or strengthen a splice site. Algorithms developed to predict the effect of missense changes on protein structure and function (SIFT, PolyPhen-2, Align-GVGD) all suggest that this variant is likely to be disruptive. This variant has not been reported in the literature in individuals affected with GTPBP3-related conditions. This variant is not present in population databases (gnomAD no frequency). This sequence change replaces arginine, which is basic and polar, with tryptophan, which is neutral and slightly polar, at codon 494 of the GTPBP3 protein (p.Arg494Trp).